The following is an entry in ClinVar:

NM_000302.4(PLOD1):c.1294G>A (p.Glu432Lys)

Gene: PLOD1 (procollagen-lysine,2-oxoglutarate 5-dioxygenase 1; plus strand). Cytogenetic location: 1p36.22.
Variant type: single nucleotide variant.
Coding change: c.1294G>A on transcript NM_000302.4 (MANE Select); coding-DNA position 1294, G replaced by A.
Protein change: p.Glu432Lys; replaces glutamic acid 432 with lysine.
Molecular consequence: missense variant.
Genome position (GRCh38, 1-based): chr1:11,964,266, G>A. VCF-style: chr1-11964266-G-A. GRCh37 (hg19) VCF-style: chr1-12024323-G-A.
Other names: c.1435G>A, p.Glu479Lys (NM_001316320.2); short protein forms E432K, E479K.
Identifiers: ClinVar variation 4139847 (VCV004139847.1).
Genomic context (GRCh38, chr1:11,964,266, plus strand): 5'-GGGAGGCTGTGGTCGAACTTCTGGGGGGCTCTCAGTGCAGATGGCTACTATGCCCGTTCC[G>A]AGGACTACGTGGACATTGTGCAGGGGCGGCGTGTGTGAGTACCTGCAGGGTGGGGGTGGG-3'
Protein context (NP_000293.2, residues 422-442): LSADGYYARS[Glu432Lys]DYVDIVQGRR

ClinVar aggregate classification (germline): Uncertain significance (1 of 4 stars; one submission).

Conditions:
Familial thoracic aortic aneurysm and aortic dissection (TAAD). Also called: Thoracic aortic aneurysms and dissections. Identifiers: Orphanet 91387, MedGen C4707243, MONDO:0019625.

gnomAD v4.1: 7 of 1,528,390 alleles (0.00046%); highest among the groups gnomAD compares: African/African-American, 0.0014%; no homozygotes.

Submission:

Ambry Genetics
Classification: Uncertain significance for Familial thoracic aortic aneurysm and aortic dissection. Last evaluated: 2025-06-28. Review status: criteria provided, single submitter. Criteria: Ambry Variant Classification Scheme 2023. Collection method: clinical testing. Allele origin: germline.
Comment: The p.E432K variant (also known as c.1294G>A), located in coding exon 12 of the PLOD1 gene, results from a G to A substitution at nucleotide position 1294. The glutamic acid at codon 432 is replaced by lysine, an amino acid with similar properties. This amino acid position is conserved. In addition, this alteration is predicted to be deleterious by in silico analysis. Based on the available evidence, the clinical significance of this variant remains unclear.